The following is an entry in ClinVar:

NM_004336.5(BUB1):c.320G>A (p.Gly107Glu)

Gene: BUB1 (BUB1 mitotic checkpoint serine/threonine kinase; minus strand). Cytogenetic location: 2q13.
Variant type: single nucleotide variant.
Coding change: c.320G>A on transcript NM_004336.5 (MANE Select); coding-DNA position 320, G replaced by A.
Protein change: p.Gly107Glu; replaces glycine 107 with glutamic acid.
Molecular consequence: missense variant.
Genome position (GRCh38, 1-based): chr2:110,672,763, C>T on the plus strand (G>A on the coding strand, the complement: BUB1 is on the minus strand). VCF-style: chr2-110672763-C-T. GRCh37 (hg19) VCF-style: chr2-111430340-C-T.
Other names: c.320G>A (NM_004336.3); c.260G>A, p.Gly87Glu (NM_001278616.2); c.320G>A, p.Gly107Glu (NM_001278617.2); short protein forms G107E, G87E.
Identifiers: ClinVar variation 2900444 (VCV002900444.4), dbSNP rs369472330, ClinGen allele CA1828387.

ClinVar aggregate classification (germline): Uncertain significance. Review status: criteria provided, multiple submitters, no conflicts (2 of 4 stars). 2 submissions from 2 submitters: Uncertain significance (2). Last evaluated 2025-02-18.

Allele frequency attached by ClinVar (database versions not stated): TOPMed 0.00010; ESP Exome Variant Server 0.00008; gnomAD exomes 0.00015; gnomAD 0.00004; ExAC 0.00005.
gnomAD v4.1: 231 of 1,613,966 alleles (0.014%); highest among the groups gnomAD compares: Non-Finnish European, 0.019%; no homozygotes.

Submissions (2):

Labcorp Genetics (formerly Invitae), Labcorp
Classification: Uncertain significance. Last evaluated: 2025-02-18. Review status: criteria provided, single submitter. Criteria: Invitae Variant Classification Sherloc (09022015). Collection method: clinical testing. Allele origin: germline.
Comment: This sequence change replaces glycine, which is neutral and non-polar, with glutamic acid, which is acidic and polar, at codon 107 of the BUB1 protein (p.Gly107Glu). This variant is present in population databases (rs369472330, gnomAD 0.009%). This variant has not been reported in the literature in individuals affected with BUB1-related conditions. ClinVar contains an entry for this variant (Variation ID: 2900444). An algorithm developed to predict the effect of missense changes on protein structure and function outputs the following: PolyPhen-2: "Not Available". The glutamic acid amino acid residue is found in multiple mammalian species, which suggests that this missense change does not adversely affect protein function. In summary, the available evidence is currently insufficient to determine the role of this variant in disease. Therefore, it has been classified as a Variant of Uncertain Significance.

Ambry Genetics
Classification: Uncertain significance. Last evaluated: 2024-11-25. Review status: criteria provided, single submitter. Criteria: Ambry Variant Classification Scheme 2023. Collection method: clinical testing. Allele origin: germline.